The following is an entry in ClinVar:

NM_003072.5(SMARCA4):c.3793G>A (p.Gly1265Ser)

Gene: SMARCA4 (SWI/SNF related BAF chromatin remodeling complex subunit ATPase 4; plus strand). Cytogenetic location: 19p13.2.
Variant type: single nucleotide variant.
Coding change: c.3793G>A on transcript NM_003072.5 (MANE Select); coding-DNA position 3793, G replaced by A.
Protein change: p.Gly1265Ser; replaces glycine 1265 with serine.
Molecular consequence: missense variant. On other transcripts: intron variant (5).
Genome position (GRCh38, 1-based): chr19:11,033,785, G>A. VCF-style: chr19-11033785-G-A. GRCh37 (hg19) VCF-style: chr19-11144461-G-A.
Other names: c.3793G>A, p.Gly1265Ser (NM_001128849.3, NM_001128844.3); c.3774+268G>A (NM_001128847.4, NM_001374457.1, NM_001128845.2 and 2 more transcripts); short protein forms G1265S.
Identifiers: ClinVar variation 824217 (VCV000824217.4), dbSNP rs1600393274, ClinGen allele CA404066441.

ClinVar aggregate classification (germline): Uncertain significance (1 of 4 stars; one submission).

Conditions:
Hereditary cancer-predisposing syndrome. Also called: Neoplastic Syndromes, Hereditary; Tumor predisposition; Hereditary neoplastic syndrome; Hereditary Cancer Syndrome. Identifiers: Orphanet 140162, MedGen C0027672, MeSH D009386, MONDO:0015356.

Submission:

Ambry Genetics
Classification: Uncertain significance for Hereditary cancer-predisposing syndrome. Last evaluated: 2019-08-08. Review status: criteria provided, single submitter. Criteria: Ambry Variant Classification Scheme 2023. Collection method: clinical testing. Allele origin: germline.
Comment: The p.G1265S variant (also known as c.3793G>A), located in coding exon 26 of the SMARCA4 gene, results from a G to A substitution at nucleotide position 3793. The glycine at codon 1265 is replaced by serine, an amino acid with similar properties. This amino acid position is highly conserved in available vertebrate species. In addition, the in silico prediction for this alteration is inconclusive. Since supporting evidence is limited at this time, the clinical significance of this alteration remains unclear.